The following is an entry in ClinVar:

ClinVar aggregate classification (germline): Pathogenic. Review status: criteria provided, multiple submitters, no conflicts (2 of 4 stars). 3 submissions from 3 submitters: Pathogenic (3). Last evaluated 2024-10-07.

Conditions:
Sandhoff disease. Also called: Beta-hexosaminidase-beta-subunit deficiency; GM2 gangliosidosis, type 2; Total hexosaminidase deficiency; Sandhoff-Jatzkewitz-Pilz disease; GM2-GANGLIOSIDOSIS, TYPE II; HEXOSAMINIDASES A AND B DEFICIENCY. Identifiers: Orphanet 796, MedGen C0036161, MONDO:0010006, OMIM 268800.

Allele frequency attached by ClinVar (database versions not stated): TOPMed below 0.00001; gnomAD 0.00001.

Submissions (3):

Women's Health and Genetics/Laboratory Corporation of America, LabCorp
Classification: Pathogenic for Sandhoff disease. Last evaluated: 2024-10-07. Review status: criteria provided, single submitter. Criteria: LabCorp Variant Classification Summary - May 2015. Collection method: clinical testing. Allele origin: germline.
Comment: Variant summary: HEXB c.1165dupC (p.Gln389ProfsX22) results in a premature termination codon, predicted to cause a truncation of the encoded protein or absence of the protein due to nonsense mediated decay, which are commonly known mechanisms for disease. The variant was absent in 246512 control chromosomes (gnomAD). c.1165dupC has been reported in the literature in at least one compound heterozygous individual affected with Lysosomal Disorders (example: Sudrie-Arnaud_2021). The following publication has been ascertained in the context of this evaluation (PMID: 33673364). ClinVar contains an entry for this variant (Variation ID: 1012510). Based on the evidence outlined above, the variant was classified as pathogenic.

Labcorp Genetics (formerly Invitae), Labcorp
Classification: Pathogenic for Sandhoff disease. Last evaluated: 2022-12-25. Review status: criteria provided, single submitter. Criteria: Invitae Variant Classification Sherloc (09022015). Collection method: clinical testing. Allele origin: germline.
Comment: This sequence change creates a premature translational stop signal (p.Gln389Profs*22) in the HEXB gene. It is expected to result in an absent or disrupted protein product. Loss-of-function variants in HEXB are known to be pathogenic (PMID: 7550345, 18758829). This variant is not present in population databases (gnomAD no frequency). This variant has not been reported in the literature in individuals affected with HEXB-related conditions. ClinVar contains an entry for this variant (Variation ID: 1012510). For these reasons, this variant has been classified as Pathogenic.

CeGaT Center for Human Genetics Tuebingen
Classification: Pathogenic. Last evaluated: 2022-04-01. Review status: criteria provided, single submitter. Criteria: CeGaT Center For Human Genetics Tuebingen Variant Classification Criteria Version 2. Collection method: clinical testing. Allele origin: germline. Affected: yes. Observed: 4 variant alleles.
Comment: HEXB: PVS1, PM2, PM3:Supporting, PS3:Supporting

Literature cited by the submitters: PubMed 33673364 (cited by Women's Health and Genetics/Laboratory Corporation of America, LabCorp); PubMed 7550345 (cited by Labcorp Genetics (formerly Invitae), Labcorp); PubMed 18758829 (cited by Labcorp Genetics (formerly Invitae), Labcorp).

NM_000521.4(HEXB):c.1165dup (p.Gln389fs)

Gene: HEXB (hexosaminidase subunit beta; plus strand). Cytogenetic location: 5q13.3.
Variant type: Duplication.
Coding change: c.1165dup on transcript NM_000521.4 (MANE Select); coding-DNA position 1165, one base duplicated (C; older notation c.1165dupC).
Protein change: p.Gln389fs; shifts the reading frame from glutamine 389.
Molecular consequence: frameshift variant.
Genome position (GRCh38, 1-based): chr5:74,716,669, C duplicated. VCF-style (leftmost placement, unchanged base first): chr5-74716668-T-TC. GRCh37 (hg19) VCF-style: chr5-74012493-T-TC.
Other names: c.1165dupC (NM_000521.4); c.490dup, p.Gln164fs (NM_001292004.2); short protein forms Q164fs, Q389fs.
Identifiers: ClinVar variation 1012510 (VCV001012510.46), dbSNP rs1749680051, ClinGen allele CA1077556903.
Genomic context (GRCh38, chr5:74,716,668, plus strand): 5'-AGATTTCATGAGGCAAAAAGGCTTTGGCACAGATTTTAAGAAACTAGAATCTTTCTACAT[T>TC]CAAAAGTAAGTTGTTTGAAAGCCTATTTCTGTATTAATGCTTTTTGTAAAAGTTTATTTA-3'